The following is an entry in ClinVar:

NM_004304.5(ALK):c.910C>A (p.Leu304Met)

Gene: ALK (ALK receptor tyrosine kinase; minus strand). Cytogenetic location: 2p23.2.
Variant type: single nucleotide variant.
Coding change: c.910C>A on transcript NM_004304.5 (MANE Select); coding-DNA position 910, C replaced by A.
Protein change: p.Leu304Met; replaces leucine 304 with methionine.
Molecular consequence: missense variant.
Genome position (GRCh38, 1-based): chr2:29,694,892, G>T on the plus strand (C>A on the coding strand, the complement: ALK is on the minus strand). VCF-style: chr2-29694892-G-T. GRCh37 (hg19) VCF-style: chr2-29917758-G-T.
Other names: short protein forms L304M.
Identifiers: ClinVar variation 3524736 (VCV003524736.1).

ClinVar aggregate classification (germline): Uncertain significance (1 of 4 stars; one submission).

Conditions:
Hereditary cancer-predisposing syndrome. Also called: Hereditary Cancer Syndrome; Hereditary neoplastic syndrome; Tumor predisposition; Neoplastic Syndromes, Hereditary. Identifiers: Orphanet 140162, MedGen C0027672, MeSH D009386, MONDO:0015356.

Submission:

Ambry Genetics
Classification: Uncertain significance for Hereditary cancer-predisposing syndrome. Last evaluated: 2024-09-21. Review status: criteria provided, single submitter. Criteria: Ambry Variant Classification Scheme 2023. Collection method: clinical testing. Allele origin: germline.
Comment: The p.L304M variant (also known as c.910C>A), located in coding exon 3 of the ALK gene, results from a C to A substitution at nucleotide position 910. The leucine at codon 304 is replaced by methionine, an amino acid with highly similar properties. This amino acid position is conserved. In addition, this alteration is predicted to be tolerated by in silico analysis. Based on the available evidence, the clinical significance of this variant remains unclear.